The following is an entry in ClinVar:

NM_001379500.1(COL18A1):c.3160G>A (p.Val1054Met)

Genes: COL18A1 (collagen type XVIII alpha 1 chain; plus strand), SLC19A1 (solute carrier family 19 member 1; minus strand). Cytogenetic location: 21q22.3.
Variant type: single nucleotide variant.
Coding change: c.3160G>A on transcript NM_001379500.1 (MANE Select); coding-DNA position 3160, G replaced by A.
Protein change: p.Val1054Met; replaces valine 1054 with methionine.
Molecular consequence: missense variant.
Genome position (GRCh38, 1-based): chr21:45,505,910, G>A. VCF-style: chr21-45505910-G-A. GRCh37 (hg19) VCF-style: chr21-46925824-G-A.
Other names: c.3691G>A (NM_030582.3); c.3691G>A, p.Val1231Met (NM_030582.4); c.4396G>A, p.Val1466Met (NM_130444.3); short protein forms V1231M, V1054M, V1466M.
Identifiers: ClinVar variation 1423804 (VCV001423804.6), dbSNP rs759489506, ClinGen allele CA10067734.

ClinVar aggregate classification (germline): Uncertain significance. Review status: criteria provided, multiple submitters, no conflicts (2 of 4 stars). 3 submissions from 3 submitters: Uncertain significance (2). 1 of the submissions does not count toward it. Last evaluated 2024-10-24.

Conditions:
COL18A1-related disorder. Also called: COL18A1-related disorders; COL18A1-related condition.

Allele frequency attached by ClinVar (database versions not stated): TOPMed 0.00004; ExAC 0.00005; gnomAD exomes 0.00005.
gnomAD v4.1: 95 of 1,613,096 alleles (0.0059%); highest among the groups gnomAD compares: South Asian, 0.013%; no homozygotes.

Submissions (3):

Labcorp Genetics (formerly Invitae), Labcorp
Classification: Uncertain significance. Last evaluated: 2024-10-24. Review status: criteria provided, single submitter. Criteria: Invitae Variant Classification Sherloc (09022015). Collection method: clinical testing. Allele origin: germline.
Comment: This sequence change replaces valine, which is neutral and non-polar, with methionine, which is neutral and non-polar, at codon 1051 of the COL18A1 protein (p.Val1051Met). This variant is present in population databases (rs759489506, gnomAD 0.01%). This variant has not been reported in the literature in individuals affected with COL18A1-related conditions. ClinVar contains an entry for this variant (Variation ID: 1423804). Experimental studies and prediction algorithms are not available or were not evaluated, and the functional significance of this variant is currently unknown. In summary, the available evidence is currently insufficient to determine the role of this variant in disease. Therefore, it has been classified as a Variant of Uncertain Significance.

Blueprint Genetics
Classification: Uncertain significance. Last evaluated: 2022-05-20. Review status: criteria provided, single submitter. Criteria: ACMG Guidelines, 2015. Collection method: clinical testing. Allele origin: germline.

PreventionGenetics, part of Exact Sciences
Classification: Uncertain significance for COL18A1-related condition. Last evaluated: 2024-06-12. Review status: no assertion criteria provided. Collection method: clinical testing. Allele origin: germline. Not counted in ClinVar's aggregate classification.
Comment: The COL18A1 c.3691G>A variant is predicted to result in the amino acid substitution p.Val1231Met. To our knowledge, this variant has not been reported in the literature. This variant is reported in 0.012% of alleles in individuals of European (Non-Finnish) descent in gnomAD. At this time, the clinical significance of this variant is uncertain due to the absence of conclusive functional and genetic evidence.